The following is an entry in ClinVar:

NM_000533.5(PLP1):c.223A>C (p.Thr75Pro)

Genes: PLP1 (proteolipid protein 1; plus strand), RAB9B (RAB9B, member RAS oncogene family; minus strand). Cytogenetic location: Xq22.2.
Variant type: single nucleotide variant.
Coding change: c.223A>C on transcript NM_000533.5 (MANE Select); coding-DNA position 223, A replaced by C.
Protein change: p.Thr75Pro; replaces threonine 75 with proline.
Molecular consequence: missense variant.
Genome position (GRCh38, 1-based): chrX:103,786,496, A>C. VCF-style: chrX-103786496-A-C. GRCh37 (hg19) VCF-style: chrX-103041425-A-C.
Other names: c.223A>C, p.Thr75Pro (NM_001128834.3, NM_199478.3); c.58A>C, p.Thr20Pro (NM_001305004.1); short protein forms T20P, T75P.
Identifiers: ClinVar variation 3255411 (VCV003255411.2), dbSNP rs2522306776.

ClinVar aggregate classification (germline): Uncertain significance (1 of 4 stars; one submission).

Conditions:
Pelizaeus-Merzbacher disease. Also called: LEUKODYSTROPHY, HYPOMYELINATING, 1; Sudanophilic leukodystrophy; Pelizaeus-Merzbacher spectrum disorder; Pelizaeus-Merzbacher Disease (PMD); Pelizeaus-Merzbacher spectrum disorder. Identifiers: Orphanet 702, MedGen C0205711, MONDO:0010714, OMIM 312080, HP:0003269.

Submission:

Molecular Diagnostics Lab, Nemours Children's Health, Delaware
Classification: Uncertain significance for Pelizaeus-Merzbacher disease. Last evaluated: 2021-03-02. Review status: criteria provided, single submitter. Criteria: ACMG Guidelines, 2015. Collection method: clinical testing. Allele origin: maternal. Inheritance: X-linked inheritance. Affected: yes. Observed: 1 hemizygote.
Comment: This missense variant (c.223A>C, p.Thr75Pro) has not been observed in population databases (gnomAD). It has not been described in the literature. There is insufficient evidence available to provide a classification other than uncertain significance for this variant.